The following is an entry in ClinVar:

NM_001042492.3(NF1):c.7093A>G (p.Asn2365Asp)

Gene: NF1 (neurofibromin 1; plus strand). Cytogenetic location: 17q11.2.
Variant type: single nucleotide variant.
Coding change: c.7093A>G on transcript NM_001042492.3 (MANE Select); coding-DNA position 7093, A replaced by G.
Protein change: p.Asn2365Asp; replaces asparagine 2365 with aspartic acid.
Molecular consequence: missense variant.
Genome position (GRCh38, 1-based): chr17:31,343,039, A>G. VCF-style: chr17-31343039-A-G. GRCh37 (hg19) VCF-style: chr17-29670057-A-G.
Other names: c.7030A>G, p.Asn2344Asp (NM_000267.4); short protein forms N2365D, N2344D.
Identifiers: ClinVar variation 3634595 (VCV003634595.2).

ClinVar aggregate classification (germline): Uncertain significance (1 of 4 stars; one submission).

Conditions:
Neurofibromatosis, type 1 (NF1). Also called: VON RECKLINGHAUSEN DISEASE; Peripheral type neurofibromatosis; NEUROFIBROMATOSIS, TYPE I, SOMATIC; Neurofibromatosis, type I. Identifiers: Orphanet 636, MedGen C0027831, MONDO:0018975, OMIM 162200. Disease mechanism: loss of function.

Submission:

Labcorp Genetics (formerly Invitae), Labcorp
Classification: Uncertain significance for Neurofibromatosis, type 1. Last evaluated: 2024-03-28. Review status: criteria provided, single submitter. Criteria: Invitae Variant Classification Sherloc (09022015). Collection method: clinical testing. Allele origin: germline.
Comment: This sequence change replaces asparagine, which is neutral and polar, with aspartic acid, which is acidic and polar, at codon 2344 of the NF1 protein (p.Asn2344Asp). This variant is not present in population databases (gnomAD no frequency). This variant has not been reported in the literature in individuals affected with NF1-related conditions. Advanced modeling of protein sequence and biophysical properties (such as structural, functional, and spatial information, amino acid conservation, physicochemical variation, residue mobility, and thermodynamic stability) performed at Invitae indicates that this missense variant is not expected to disrupt NF1 protein function with a negative predictive value of 95%. In summary, the available evidence is currently insufficient to determine the role of this variant in disease. Therefore, it has been classified as a Variant of Uncertain Significance.